The following is an entry in ClinVar:

NM_020686.6(ABAT):c.458A>G (p.Lys153Arg)

Gene: ABAT (4-aminobutyrate aminotransferase; plus strand). Cytogenetic location: 16p13.2.
Variant type: single nucleotide variant.
Coding change: c.458A>G on transcript NM_020686.6 (MANE Select); coding-DNA position 458, A replaced by G.
Protein change: p.Lys153Arg; replaces lysine 153 with arginine.
Molecular consequence: missense variant. On other transcripts: intron variant (1).
Genome position (GRCh38, 1-based): chr16:8,764,748, A>G. VCF-style: chr16-8764748-A-G. GRCh37 (hg19) VCF-style: chr16-8858605-A-G.
Other names: c.458A>G, p.Lys153Arg (NM_000663.5, NM_001127448.2, NM_001386600.1 and 9 more transcripts); c.323A>G, p.Lys108Arg (NM_001386610.1, NM_001386611.1, NM_001386612.1 and 1 more transcripts); c.212A>G, p.Lys71Arg (NM_001386614.1); c.554A>G, p.Lys185Arg (NM_001386615.1); c.447+599A>G (NM_001386608.1); short protein forms K185R, K108R, K153R, K71R.
Identifiers: ClinVar variation 1504990 (VCV001504990.8), dbSNP rs2142928367, ClinGen allele CA394688330.

ClinVar aggregate classification (germline): Uncertain significance (1 of 4 stars; one submission).

Conditions:
Gamma-aminobutyric acid transaminase deficiency (GABATD). Also called: GABA transaminase deficiency; Gamma aminobutyrate transaminase deficiency; 4 alpha aminobutyrate transaminase deficiency; GABA aminotransaminase deficiency. Identifiers: Orphanet 2066, MedGen C0342708, MONDO:0013166, OMIM 613163.

Submission:

Labcorp Genetics (formerly Invitae), Labcorp
Classification: Uncertain significance for Gamma-aminobutyric acid transaminase deficiency. Last evaluated: 2024-02-23. Review status: criteria provided, single submitter. Criteria: Invitae Variant Classification Sherloc (09022015). Collection method: clinical testing. Allele origin: germline.
Comment: This sequence change replaces lysine, which is basic and polar, with arginine, which is basic and polar, at codon 153 of the ABAT protein (p.Lys153Arg). This variant is not present in population databases (gnomAD no frequency). This variant has not been reported in the literature in individuals affected with ABAT-related conditions. ClinVar contains an entry for this variant (Variation ID: 1504990). Advanced modeling of protein sequence and biophysical properties (such as structural, functional, and spatial information, amino acid conservation, physicochemical variation, residue mobility, and thermodynamic stability) performed at Invitae indicates that this missense variant is not expected to disrupt ABAT protein function with a negative predictive value of 80%. In summary, the available evidence is currently insufficient to determine the role of this variant in disease. Therefore, it has been classified as a Variant of Uncertain Significance.